The following is an entry in ClinVar:

NM_000180.4(GUCY2D):c.956_967dup (p.Gly319_Leu322dup)

Gene: GUCY2D (guanylate cyclase 2D, retinal; plus strand). Cytogenetic location: 17p13.1.
Variant type: Duplication.
Coding change: c.956_967dup on transcript NM_000180.4 (MANE Select); coding-DNA positions 956 to 967, 12 bases duplicated (GCAGCGTGCTGG).
Protein change: p.Gly319_Leu322dup.
Molecular consequence: inframe insertion.
Genome position (GRCh38, 1-based): chr17:8,004,086-8,004,097, GCAGCGTGCTGG duplicated; duplicating any 12 consecutive bases within chr17:8,004,085-8,004,097 gives the same sequence; the c. name uses the placement nearest the transcript's 3' end. VCF-style (leftmost placement, unchanged base first): chr17-8004084-A-AGGCAGCGTGCTG. GRCh37 (hg19) VCF-style: chr17-7907402-A-AGGCAGCGTGCTG.
Identifiers: ClinVar variation 1492304 (VCV001492304.8), dbSNP rs1248938251, ClinGen allele CA624867920.

ClinVar aggregate classification (germline): Uncertain significance (1 of 4 stars; one submission).

Conditions:
Leber congenital amaurosis 1 (LCA1). Also called: Congenital absence of the rods and cones; Leber's congenital tapetoretinal degeneration; Leber's congenital tapetoretinal dysplasia; RETINAL BLINDNESS, CONGENITAL; AMAUROSIS CONGENITA OF LEBER I. Identifiers: Orphanet 65, MedGen C2931258, MONDO:0008764, OMIM 204000.
Cone-rod dystrophy 6 (CORD6). Also called: RETINAL CONE DYSTROPHY 2; Cone dystrophy progressive. Identifiers: Orphanet 1872, MedGen C1866293, MONDO:0011143, OMIM 601777.

Submission:

Labcorp Genetics (formerly Invitae), Labcorp
Classification: Uncertain significance for Leber congenital amaurosis 1; Cone-rod dystrophy 6. Last evaluated: 2026-01-04. Review status: criteria provided, single submitter. Criteria: Invitae Variant Classification Sherloc (09022015). Collection method: clinical testing. Allele origin: germline.
Comment: This variant, c.956_967dup, results in the insertion of 4 amino acid(s) of the GUCY2D protein (p.Gly319_Leu322dup), but otherwise preserves the integrity of the reading frame. This variant is present in population databases (no rsID available, gnomAD 0.002%). This variant has not been reported in the literature in individuals affected with GUCY2D-related conditions. ClinVar contains an entry for this variant (Variation ID: 1492304). Experimental studies and prediction algorithms are not available or were not evaluated, and the functional significance of this variant is currently unknown. In summary, the available evidence is currently insufficient to determine the role of this variant in disease. Therefore, it has been classified as a Variant of Uncertain Significance.